The following is an entry in ClinVar:

ClinVar aggregate classification (germline): Likely benign. Review status: criteria provided, multiple submitters, no conflicts (2 of 4 stars). 2 submissions from 2 submitters: Likely benign (2). Last evaluated 2025-10-03.

Allele frequency attached by ClinVar (database versions not stated): gnomAD 0.00003; TOPMed 0.00003; ExAC 0.00006.
gnomAD v4.1: 45 of 1,613,788 alleles (0.0028%); highest among the groups gnomAD compares: Non-Finnish European, 0.0035%; no homozygotes.

Submissions (2):

Labcorp Genetics (formerly Invitae), Labcorp
Classification: Likely benign. Last evaluated: 2025-10-03. Review status: criteria provided, single submitter. Criteria: Invitae Variant Classification Sherloc (09022015). Collection method: clinical testing. Allele origin: germline.

CeGaT Center for Human Genetics Tuebingen
Classification: Likely benign. Last evaluated: 2023-04-01. Review status: criteria provided, single submitter. Criteria: CeGaT Center For Human Genetics Tuebingen Variant Classification Criteria Version 2. Collection method: clinical testing. Allele origin: germline. Affected: yes. Observed: 1 variant allele.
Comment: TENM3: BP4, BP7

NM_001080477.4(TENM3):c.1896C>T (p.Cys632=)

Gene: TENM3 (teneurin transmembrane protein 3; plus strand). Cytogenetic location: 4q35.1.
Variant type: single nucleotide variant.
Coding change: c.1896C>T on transcript NM_001080477.4 (MANE Select); coding-DNA position 1896, C replaced by T.
Protein change: p.Cys632=; no amino-acid change (cysteine 632 retained).
Molecular consequence: synonymous variant.
Genome position (GRCh38, 1-based): chr4:182,681,875, C>T. VCF-style: chr4-182681875-C-T. GRCh37 (hg19) VCF-style: chr4-183603028-C-T.
Other names: c.1080C>T, p.Cys360= (NM_001415961.1, NM_001415962.1, NM_001415963.1 and 2 more transcripts); c.1617C>T, p.Cys539= (NM_001415966.1, NM_001415967.1, NM_001415976.1 and 1 more transcripts); c.1896C>T, p.Cys632= (NM_001415968.1, NM_001415969.1, NM_001415970.1 and 4 more transcripts).
Identifiers: ClinVar variation 2655204 (VCV002655204.27), dbSNP rs751336139, ClinGen allele CA3147830.